The following is an entry in ClinVar:

NM_001267550.2(TTN):c.69527T>C (p.Val23176Ala)

Genes: TTN (titin; minus strand), TTN-AS1 (TTN antisense RNA 1; plus strand). Cytogenetic location: 2q31.2.
Variant type: single nucleotide variant.
Coding change: c.69527T>C on transcript NM_001267550.2 (MANE Select); coding-DNA position 69527, T replaced by C.
Protein change: p.Val23176Ala; replaces valine 23176 with alanine.
Molecular consequence: missense variant.
Genome position (GRCh38, 1-based): chr2:178,576,717, A>G on the plus strand (T>C on the coding strand, the complement: TTN is on the minus strand). VCF-style: chr2-178576717-A-G. GRCh37 (hg19) VCF-style: chr2-179441444-A-G.
Other names: c.64604T>C, p.Val21535Ala (NM_001256850.1); c.42332T>C, p.Val14111Ala (NM_003319.4); c.61823T>C, p.Val20608Ala (NM_133378.4); c.42707T>C, p.Val14236Ala (NM_133432.3); c.42908T>C, p.Val14303Ala (NM_133437.4); short protein forms V14111A, V14236A, V14303A, V20608A, V21535A, V23176A.
Identifiers: ClinVar variation 2630205 (VCV002630205.1), dbSNP rs1258714685, ClinGen allele CA349667719.

ClinVar aggregate classification (germline): Uncertain significance (1 of 4 stars; one submission).

Conditions:
TTN-related disorder. Also called: TTN-related condition; TTN-related disease; TTN-related disorders.

Submission:

PreventionGenetics, part of Exact Sciences
Classification: Uncertain significance for TTN-related condition. Last evaluated: 2023-02-24. Review status: criteria provided, single submitter. Criteria: ACMG Guidelines, 2015. Collection method: clinical testing. Allele origin: germline.
Comment: The TTN c.69527T>C variant is predicted to result in the amino acid substitution p.Val23176Ala. To our knowledge, this variant has not been reported in the literature. This variant is reported in 0.00089% of alleles in individuals of European (Non-Finnish) descent in gnomAD. At this time, the clinical significance of this variant is uncertain due to the absence of conclusive functional and genetic evidence.